The following is an entry in ClinVar:

NM_000350.3(ABCA4):c.6124G>A (p.Val2042Ile)

Gene: ABCA4 (ATP binding cassette subfamily A member 4; minus strand). Cytogenetic location: 1p22.1.
Variant type: single nucleotide variant.
Coding change: c.6124G>A on transcript NM_000350.3 (MANE Select); coding-DNA position 6124, G replaced by A.
Protein change: p.Val2042Ile; replaces valine 2042 with isoleucine.
Molecular consequence: missense variant.
Genome position (GRCh38, 1-based): chr1:94,005,464, C>T on the plus strand (G>A on the coding strand, the complement: ABCA4 is on the minus strand). VCF-style: chr1-94005464-C-T. GRCh37 (hg19) VCF-style: chr1-94471020-C-T.
Other names: c.5902G>A, p.Val1968Ile (NM_001425324.1); short protein forms V2042I, V1968I.
Identifiers: ClinVar variation 852606 (VCV000852606.8), dbSNP rs138384263, ClinGen allele CA957025.

ClinVar aggregate classification (germline): Uncertain significance. Review status: criteria provided, multiple submitters, no conflicts (2 of 4 stars). 3 submissions from 3 submitters: Uncertain significance (3). Last evaluated 2026-05-11.

Conditions:
ABCA4-related disorder. Also called: ABCA4-related condition; ABCA4-related disorders. Identifiers: MedGen CN239167.

Allele frequency attached by ClinVar (database versions not stated): gnomAD exomes 0.00003 and 0.00008; ExAC 0.00011; 1000 Genomes Project 30x 0.00016; 1000 Genomes Project 0.00020; gnomAD 0.00025 and 0.00026; TOPMed 0.00025; ESP Exome Variant Server 0.00046.
gnomAD v4.1: 80 of 1,614,178 alleles (0.005%); highest among the groups gnomAD compares: African/African-American, 0.079%; no homozygotes.

Submissions (3):

PreventionGenetics, part of Exact Sciences
Classification: Uncertain significance for ABCA4-related condition. Last evaluated: 2026-05-11. Review status: criteria provided, single submitter. Criteria: ACMG Guidelines, 2015. Collection method: clinical testing. Allele origin: germline.
Comment: The ABCA4 c.6124G>A variant is predicted to result in the amino acid substitution p.Val2042Ile. To our knowledge, this variant has not been reported in the literature. This variant is reported in 0.096% of alleles in individuals of African descent in gnomAD, which may be too frequent to be a primary cause of disease. Another variant at the same amino acid position, c.6125T>G, p.(Val2042Gly), has been identified in individuals with Stargardt disease (Table S3, Jiang et al. 2016. PubMed ID: 26780318; Table S2, Cornelis et al. 2022. PubMed ID: 35120629; Table S2, Sun et al. 2020. PubMed ID: 33301772); however, a second variant was not identified in one of the individuals. Although we suspect that this variant may be benign, the clinical significance of this variant is currently classified as uncertain due to the absence of conclusive functional and genetic evidence.

Labcorp Genetics (formerly Invitae), Labcorp
Classification: Uncertain significance. Last evaluated: 2025-01-06. Review status: criteria provided, single submitter. Criteria: Invitae Variant Classification Sherloc (09022015). Collection method: clinical testing. Allele origin: germline.
Comment: This sequence change replaces valine, which is neutral and non-polar, with isoleucine, which is neutral and non-polar, at codon 2042 of the ABCA4 protein (p.Val2042Ile). This variant is present in population databases (rs138384263, gnomAD 0.1%). This missense change has been observed in individual(s) with retinitis pigmentosa (internal data). ClinVar contains an entry for this variant (Variation ID: 852606). Invitae Evidence Modeling of protein sequence and biophysical properties (such as structural, functional, and spatial information, amino acid conservation, physicochemical variation, residue mobility, and thermodynamic stability) indicates that this missense variant is not expected to disrupt ABCA4 protein function with a negative predictive value of 80%. In summary, the available evidence is currently insufficient to determine the role of this variant in disease. Therefore, it has been classified as a Variant of Uncertain Significance.

Blueprint Genetics
Classification: Uncertain significance. Last evaluated: 2022-09-05. Review status: criteria provided, single submitter. Criteria: ACMG Guidelines, 2015. Collection method: clinical testing. Allele origin: germline.